The following is an entry in ClinVar:

ClinVar aggregate classification (germline): Uncertain significance (1 of 4 stars; one submission).

Conditions:
Long QT syndrome (LQTS). Identifiers: MedGen C0023976, MeSH D008133, MONDO:0002442. Disease mechanism: loss of function. Inheritance: Various modes of inheritance.

Submission:

Labcorp Genetics (formerly Invitae), Labcorp
Classification: Uncertain significance for Long QT syndrome. Last evaluated: 2024-11-10. Review status: criteria provided, single submitter. Criteria: Invitae Variant Classification Sherloc (09022015). Collection method: clinical testing. Allele origin: germline.
Comment: This sequence change replaces glutamine, which is neutral and polar, with glutamic acid, which is acidic and polar, at codon 3743 of the ANK2 protein (p.Gln3743Glu). This variant is not present in population databases (gnomAD no frequency). This variant has not been reported in the literature in individuals affected with ANK2-related conditions. ClinVar contains an entry for this variant (Variation ID: 2841167). An algorithm developed to predict the effect of missense changes on protein structure and function (PolyPhen-2) suggests that this variant is likely to be tolerated. In summary, the available evidence is currently insufficient to determine the role of this variant in disease. Therefore, it has been classified as a Variant of Uncertain Significance.

NM_001148.6(ANK2):c.11227C>G (p.Gln3743Glu)

Gene: ANK2 (ankyrin 2; plus strand). Cytogenetic location: 4q26.
Variant type: single nucleotide variant.
Coding change: c.11227C>G on transcript NM_001148.6 (MANE Select); coding-DNA position 11227, C replaced by G.
Protein change: p.Gln3743Glu; replaces glutamine 3743 with glutamic acid.
Molecular consequence: missense variant.
Genome position (GRCh38, 1-based): chr4:113,367,760, C>G. VCF-style: chr4-113367760-C-G. GRCh37 (hg19) VCF-style: chr4-114288916-C-G.
Other names: c.4786C>G, p.Gln1596Glu (NM_001354267.2, NM_001386162.1, NM_001354276.2 and 2 more transcripts); c.4774C>G, p.Gln1592Glu (NM_001354268.2); c.4759C>G, p.Gln1587Glu (NM_001354269.3); c.4747C>G, p.Gln1583Glu (NM_001354270.2, NM_001354253.2); c.4687C>G, p.Gln1563Glu (NM_001354271.2, NM_001386151.1, NM_001354260.2); c.4843C>G, p.Gln1615Glu (NM_001354272.2); c.4672C>G, p.Gln1558Glu (NM_001354273.2); c.5029C>G, p.Gln1677Glu (NM_001386152.1); and 35 more; short protein forms Q1571E, Q1587E, Q1596E, Q1603E, Q1613E, Q1625E, Q1637E, Q1657E.
Identifiers: ClinVar variation 2841167 (VCV002841167.3), dbSNP rs2507407976, ClinGen allele CA357942237.
Genomic context (GRCh38, chr4:113,367,760, plus strand): 5'-ACTTTTCAGGATGGCGTCCCCAAAACTGAGGGGGACAGCTCAGCAACAGCACTCTTTCCC[C>G]AAACTCACAAGGAGCAAGTTCAACAGGATTTCTCAGGGAAAATGCAAGACCTGCCTGAAG-3'
Protein context (NP_001139.3, residues 3733-3753): GDSSATALFP[Gln3743Glu]THKEQVQQDF